The following is an entry in ClinVar:

ClinVar aggregate classification (germline): Uncertain significance (1 of 4 stars; one submission).

Submission:

GeneDx
Classification: Uncertain significance. Last evaluated: 2024-09-28. Review status: criteria provided, single submitter. Criteria: GeneDx Variant Classification Process June 2021. Collection method: clinical testing. Allele origin: germline. Affected: yes.
Comment: Not observed at significant frequency in large population cohorts (gnomAD); In silico analysis supports that this missense variant has a deleterious effect on protein structure/function; Has not been previously published as pathogenic or benign to our knowledge

NM_004380.3(CREBBP):c.2747C>A (p.Pro916His)

Gene: CREBBP (CREB binding protein; minus strand). Cytogenetic location: 16p13.3.
Variant type: single nucleotide variant.
Coding change: c.2747C>A on transcript NM_004380.3 (MANE Select); coding-DNA position 2747, C replaced by A.
Protein change: p.Pro916His; replaces proline 916 with histidine.
Molecular consequence: missense variant.
Genome position (GRCh38, 1-based): chr16:3,770,703, G>T on the plus strand (C>A on the coding strand, the complement: CREBBP is on the minus strand). VCF-style: chr16-3770703-G-T. GRCh37 (hg19) VCF-style: chr16-3820704-G-T.
Other names: c.2633C>A, p.Pro878His (NM_001079846.1); short protein forms P878H, P916H.
Identifiers: ClinVar variation 3774850 (VCV003774850.1).
Genomic context (GRCh38, chr16:3,770,703, plus strand): 5'-GGCTGAACTGGGGTTTGAGGCTGCGGGGTCACCTGGGCCTGGGCTGCTGCCTGGACTGTA[G>T]GGGTGCTCTGGGTTTGGGTAGCACTGGGCACTGAGCCAGGAGTCGGGGTGGGAGTCTGCC-3'
Protein context (NP_004371.2, residues 906-926): VPSATQTQST[Pro916His]TVQAAAQAQV